The following is an entry in ClinVar:

NM_138694.4(PKHD1):c.6802C>T (p.Leu2268=)

Gene: PKHD1 (PKHD1 ciliary IPT domain containing fibrocystin/polyductin; minus strand). Cytogenetic location: 6p12.2.
Variant type: single nucleotide variant.
Coding change: c.6802C>T on transcript NM_138694.4 (MANE Select); coding-DNA position 6802, C replaced by T.
Protein change: p.Leu2268=; no amino-acid change (leucine 2268 retained).
Molecular consequence: synonymous variant.
Genome position (GRCh38, 1-based): chr6:51,906,221, G>A on the plus strand (C>T on the coding strand, the complement: PKHD1 is on the minus strand). VCF-style: chr6-51906221-G-A. GRCh37 (hg19) VCF-style: chr6-51771019-G-A.
Other names: c.6802C>T, p.Leu2268= (NM_170724.3).
Identifiers: ClinVar variation 794184 (VCV000794184.10), dbSNP rs758494106, ClinGen allele CA3852174.

ClinVar aggregate classification (germline): Likely benign. Review status: criteria provided, single submitter (1 of 4 stars). 2 submissions from 2 submitters: Likely benign (1). 1 of the submissions does not count toward it. Last evaluated 2023-02-16.

Conditions:
PKHD1-related disorder. Also called: PKHD1-related condition.
Autosomal recessive polycystic kidney disease (ARPKD). Also called: AR polycystic kidney disease. Identifiers: Orphanet 731, Orphanet 8378, MedGen C0085548, MeSH D017044, MONDO:0009889.

Allele frequency attached by ClinVar (database versions not stated): gnomAD 0.00001; TOPMed 0.00001.
gnomAD v4.1: 27 of 1,611,610 alleles (0.0017%); highest among the groups gnomAD compares: Non-Finnish European, 0.002%; no homozygotes.

Submissions (2):

Labcorp Genetics (formerly Invitae), Labcorp
Classification: Likely benign for Autosomal recessive polycystic kidney disease. Last evaluated: 2023-02-16. Review status: criteria provided, single submitter. Criteria: Invitae Variant Classification Sherloc (09022015). Collection method: clinical testing. Allele origin: germline.

PreventionGenetics, part of Exact Sciences
Classification: Likely benign for PKHD1-related condition. Last evaluated: 2021-04-07. Review status: no assertion criteria provided. Collection method: clinical testing. Allele origin: germline. Not counted in ClinVar's aggregate classification.
Comment: This variant is classified as likely benign based on ACMG/AMP sequence variant interpretation guidelines (Richards et al. 2015 PMID: 25741868, with internal and published modifications).